The following is an entry in ClinVar:

ClinVar aggregate classification (germline): Uncertain significance. Review status: criteria provided, multiple submitters, no conflicts (2 of 4 stars). 4 submissions from 4 submitters: Uncertain significance (3). 1 of the submissions does not count toward it. Last evaluated 2026-10-01.

Conditions:
Hereditary cancer-predisposing syndrome. Also called: Tumor predisposition; Neoplastic Syndromes, Hereditary; Hereditary neoplastic syndrome; Hereditary Cancer Syndrome. Identifiers: Orphanet 140162, MedGen C0027672, MeSH D009386, MONDO:0015356.
Central hypoventilation syndrome, congenital, 1, with or without Hirschsprung disease (CCHS1). Also called: CENTRAL HYPOVENTILATION SYNDROME, CONGENITAL, 1; AUTONOMIC CONTROL, CONGENITAL FAILURE OF; ONDINE CURSE, CONGENITAL; Central hypoventilation syndrome, congenital, 1, with or without Hirschsprung; Congenital Central Hypoventilation Syndrome (CCHS). Identifiers: Orphanet 661, MedGen C5562075, MONDO:0800026, OMIM 209880.
Haddad syndrome (OHD). Also called: Ondine-Hirschsprung disease. Identifiers: Orphanet 99803, MedGen C1859049, MONDO:0020493.

Allele frequency attached by ClinVar (database versions not stated): gnomAD 0.00001; gnomAD exomes 0.00001; TOPMed below 0.00001.
gnomAD v4.1: 4 of 1,613,702 alleles (0.00025%); highest among the groups gnomAD compares: Admixed American, 0.005%; no homozygotes.

Submissions (4):

St. Jude Molecular Pathology, St. Jude Children's Research Hospital
Classification: Uncertain significance for Central hypoventilation syndrome, congenital, 1, with or without Hirschsprung disease. Last evaluated: 2026-10-01. Review status: criteria provided, single submitter. Criteria: St. Jude Assertion Criteria 2020. Collection method: clinical testing. Allele origin: germline.
Comment: The PHOX2B c.59G>C p.(Gly20Ala) missense change is absent in gnomAD v2.1.1. The in silico tool REVEL is inconclusive about a pathogenic or benign effect of this variant on protein function, and to our knowledge functional studies have not been performed. To our know ledge, this variant has not been reported in individuals with PHOX2B-related disease. In summary, the evidence currently available is insufficient to determine the clinical significance of this variant. It has therefore been classified as of uncertain significance.

Labcorp Genetics (formerly Invitae), Labcorp
Classification: Uncertain significance for Haddad syndrome. Last evaluated: 2025-04-08. Review status: criteria provided, single submitter. Criteria: Invitae Variant Classification Sherloc (09022015). Collection method: clinical testing. Allele origin: germline.
Comment: This sequence change replaces glycine, which is neutral and non-polar, with alanine, which is neutral and non-polar, at codon 20 of the PHOX2B protein (p.Gly20Ala). This variant is not present in population databases (gnomAD no frequency). This variant has not been reported in the literature in individuals affected with PHOX2B-related conditions. ClinVar contains an entry for this variant (Variation ID: 135033). An algorithm developed to predict the effect of missense changes on protein structure and function (PolyPhen-2) suggests that this variant is likely to be tolerated. In summary, the available evidence is currently insufficient to determine the role of this variant in disease. Therefore, it has been classified as a Variant of Uncertain Significance.

Ambry Genetics
Classification: Uncertain significance for Hereditary cancer-predisposing syndrome. Last evaluated: 2024-02-08. Review status: criteria provided, single submitter. Criteria: Ambry Variant Classification Scheme 2023. Collection method: clinical testing. Allele origin: germline.
Comment: The p.G20A variant (also known as c.59G>C), located in coding exon 1 of the PHOX2B gene, results from a G to C substitution at nucleotide position 59. The glycine at codon 20 is replaced by alanine, an amino acid with similar properties. This amino acid position is highly conserved in available vertebrate species. In addition, the in silico prediction for this alteration is inconclusive. Based on the available evidence, the clinical significance of this alteration remains unclear.

ITMI
No classification provided. Condition: AllHighlyPenetrant. Last evaluated: 2013-09-19. Review status: no classification provided. Collection method: reference population. Allele origin: germline. Not counted in ClinVar's aggregate classification.
Comment: Please see associated publication for description of ethnicities

Literature cited by the submitters: PubMed 24728327 (cited by ITMI).

NM_003924.4(PHOX2B):c.59G>C (p.Gly20Ala)

Genes: PHOX2B (paired like homeobox 2B; minus strand), PHOX2B-AS1 (PHOX2B antisense RNA 1; plus strand). Cytogenetic location: 4p13.
Variant type: single nucleotide variant.
Coding change: c.59G>C on transcript NM_003924.4 (MANE Select); coding-DNA position 59, G replaced by C.
Protein change: p.Gly20Ala; replaces glycine 20 with alanine.
Molecular consequence: missense variant.
Genome position (GRCh38, 1-based): chr4:41,748,552, C>G on the plus strand (G>C on the coding strand, the complement: PHOX2B is on the minus strand). VCF-style: chr4-41748552-C-G. GRCh37 (hg19) VCF-style: chr4-41750569-C-G.
Other names: short protein forms G20A.
Identifiers: ClinVar variation 135033 (VCV000135033.13), dbSNP rs587778605, ClinGen allele CA161475.